The following is an entry in ClinVar:

ClinVar aggregate classification (germline): Pathogenic (1 of 4 stars; one submission).

Submission:

Labcorp Genetics (formerly Invitae), Labcorp
Classification: Pathogenic. Last evaluated: 2023-08-16. Review status: criteria provided, single submitter. Criteria: Invitae Variant Classification Sherloc (09022015). Collection method: clinical testing. Allele origin: germline.
Comment: This variant is not present in population databases (gnomAD no frequency). This variant has not been reported in the literature in individuals affected with COL7A1-related conditions. For these reasons, this variant has been classified as Pathogenic. This sequence change creates a premature translational stop signal (p.Gln1886Argfs*119) in the COL7A1 gene. It is expected to result in an absent or disrupted protein product. Loss-of-function variants in COL7A1 are known to be pathogenic (PMID: 16971478).

Literature cited by the submitters: PubMed 16971478.

NM_000094.4(COL7A1):c.5656del (p.Gln1886fs)

Gene: COL7A1 (collagen type VII alpha 1 chain; minus strand). Cytogenetic location: 3p21.31.
Variant type: Deletion.
Coding change: c.5656del on transcript NM_000094.4 (MANE Select); coding-DNA position 5656, one base deleted (C; older notation c.5656delC).
Protein change: p.Gln1886fs; shifts the reading frame from glutamine 1886.
Molecular consequence: frameshift variant.
Genome position (GRCh38, 1-based): chr3:48,576,720, G deleted on the plus strand (C on the coding strand, the reverse complement: COL7A1 is on the minus strand); the first of 4 consecutive G bases (chr3:48,576,720-48,576,723); deleting any one gives the same sequence. VCF-style (leftmost placement, unchanged base first): chr3-48576719-TG-T. GRCh37 (hg19) VCF-style: chr3-48614152-TG-T.
Other names: short protein forms Q1886fs.
Identifiers: ClinVar variation 2753138 (VCV002753138.3), dbSNP rs2531004004, ClinGen allele CA2665621272.